The following is an entry in ClinVar:

NM_012431.3(SEMA3E):c.155C>G (p.Pro52Arg)

Gene: SEMA3E (semaphorin 3E; minus strand). Cytogenetic location: 7q21.11.
Variant type: single nucleotide variant.
Coding change: c.155C>G on transcript NM_012431.3 (MANE Select); coding-DNA position 155, C replaced by G.
Protein change: p.Pro52Arg; replaces proline 52 with arginine.
Molecular consequence: missense variant. On other transcripts: 5 prime UTR variant (1).
Genome position (GRCh38, 1-based): chr7:83,490,235, G>C on the plus strand (C>G on the coding strand, the complement: SEMA3E is on the minus strand). VCF-style: chr7-83490235-G-C. GRCh37 (hg19) VCF-style: chr7-83119551-G-C.
Other names: c.-26C>G (NM_001178129.2); short protein forms P52R.
Identifiers: ClinVar variation 1044183 (VCV001044183.15), dbSNP rs370543242, ClinGen allele CA4322439.

ClinVar aggregate classification (germline): Uncertain significance. Review status: criteria provided, multiple submitters, no conflicts (2 of 4 stars). 5 submissions from 5 submitters: Uncertain significance (4). 1 of the submissions does not count toward it. Last evaluated 2026-01-28.

Conditions:
SEMA3E-related disorder. Also called: SEMA3E-related condition.
CHARGE syndrome (CHARGE). Also called: Hittner Hirsch Kreh syndrome; Coloboma, heart anomaly, choanal atresia, retardation, genital and ear anomalies; CHARGE association; Hall-Hittner syndrome; CHARGE ASSOCIATION--COLOBOMA, HEART ANOMALY, CHOANAL ATRESIA, RETARDATION, GENITAL AND EAR ANOMALIES. Identifiers: Orphanet 138, MedGen C0265354, MONDO:0008965.
Hypogonadotropic hypogonadism 7 with or without anosmia (HH7). Also called: GNRHR-Related GnRH Deficiency; HYPOGONADOTROPIC HYPOGONADISM 7 WITHOUT ANOSMIA. Identifiers: Orphanet 432, MedGen C0342384, MONDO:0007794, OMIM 146110.

Allele frequency attached by ClinVar (database versions not stated): gnomAD 0.00013 and 0.00017; TOPMed 0.00028; 1000 Genomes Project 0.00040; 1000 Genomes Project 30x 0.00047.
gnomAD v4.1: 68 of 1,612,796 alleles (0.0042%); highest among the groups gnomAD compares: Admixed American, 0.075%; no homozygotes.

Submissions (5):

Labcorp Genetics (formerly Invitae), Labcorp
Classification: Uncertain significance for CHARGE syndrome. Last evaluated: 2026-01-28. Review status: criteria provided, single submitter. Criteria: Invitae Variant Classification Sherloc (09022015). Collection method: clinical testing. Allele origin: germline.
Comment: This sequence change replaces proline, which is neutral and non-polar, with arginine, which is basic and polar, at codon 52 of the SEMA3E protein (p.Pro52Arg). This variant is present in population databases (rs370543242, gnomAD 0.009%). This variant has not been reported in the literature in individuals affected with SEMA3E-related conditions. ClinVar contains an entry for this variant (Variation ID: 1044183). An algorithm developed to predict the effect of missense changes on protein structure and function outputs the following: PolyPhen-2: "Benign". The arginine amino acid residue is found in multiple mammalian species, which suggests that this missense change does not adversely affect protein function. In summary, the available evidence is currently insufficient to determine the role of this variant in disease. Therefore, it has been classified as a Variant of Uncertain Significance.

GeneDx
Classification: Uncertain significance. Last evaluated: 2026-01-08. Review status: criteria provided, single submitter. Criteria: GeneDx Variant Classification Process June 2021. Collection method: clinical testing. Allele origin: germline. Affected: yes.
Comment: Identified in a patient with sensorineural hearing loss and additional variants in other genes in published literature (PMID: 34515852); In silico analysis suggests that this missense variant does not alter protein structure/function; Variants in candidate genes are classified as variants of uncertain significance in accordance with ACMG guidelines (PMID: 25741868); This variant is associated with the following publications: (PMID: 34515852)

Ambry Genetics
Classification: Uncertain significance. Last evaluated: 2024-03-01. Review status: criteria provided, single submitter. Criteria: Ambry Variant Classification Scheme 2023. Collection method: clinical testing. Allele origin: germline.

Fulgent Genetics
Classification: Uncertain significance for Hypogonadotropic hypogonadism 7 with or without anosmia; CHD7-related CHARGE syndrome. Last evaluated: 2022-03-14. Review status: criteria provided, single submitter. Criteria: ACMG Guidelines, 2015. Collection method: clinical testing. Allele origin: unknown.

PreventionGenetics, part of Exact Sciences
Classification: Uncertain significance for SEMA3E-related condition. Last evaluated: 2024-09-16. Review status: no assertion criteria provided. Collection method: clinical testing. Allele origin: germline. Not counted in ClinVar's aggregate classification.
Comment: The SEMA3E c.155C>G variant is predicted to result in the amino acid substitution p.Pro52Arg. To our knowledge, this variant has not been reported in the literature. This variant is reported in 0.011% of alleles in individuals of Latino descent in gnomAD, which may be too common to be a primary cause of disease. Although we suspect that this variant may be benign, at this time, the clinical significance of this variant is uncertain due to the absence of conclusive functional and genetic evidence.